The following is an entry in ClinVar:

ClinVar aggregate classification (germline): Pathogenic (1 of 4 stars; one submission).

Conditions:
Inborn genetic diseases. Identifiers: MedGen C0950123, MeSH D030342.

Submission:

Ambry Genetics
Classification: Pathogenic for Inborn genetic diseases. Last evaluated: 2025-04-29. Review status: criteria provided, single submitter. Criteria: Ambry Variant Classification Scheme 2023. Collection method: clinical testing. Allele origin: germline.
Comment: The c.4435delA (p.R1479Dfs*73) alteration, located in exon 25 (coding exon 25) of the TANC2 gene, consists of a deletion of one nucleotide at position 4435, causing a translational frameshift with a predicted alternate stop codon after 73 amino acids. This variant is not expected to trigger nonsense-mediated mRNA decay and impacts the last 25.7% of the protein. Premature stop codons are typically deleterious in nature, the impacted region is critical for protein function, and a significant portion of the protein is affected (Ambry internal data). This variant was not reported in population-based cohorts in the Genome Aggregation Database (gnomAD). Based on the available evidence, this alteration is classified as pathogenic.

NM_001394998.1(TANC2):c.4687del (p.Arg1563fs)

Gene: TANC2 (tetratricopeptide repeat, ankyrin repeat and coiled-coil containing 2; plus strand). Cytogenetic location: 17q23.3.
Variant type: Deletion.
Coding change: c.4687del on transcript NM_001394998.1 (MANE Select); coding-DNA position 4687, one base deleted (A; older notation c.4687delA).
Protein change: p.Arg1563fs; shifts the reading frame from arginine 1563.
Molecular consequence: frameshift variant.
Genome position (GRCh38, 1-based): chr17:63,420,417, A deleted. VCF-style (leftmost placement, unchanged base first): chr17-63420416-TA-T. GRCh37 (hg19) VCF-style: chr17-61497777-TA-T.
Other names: c.4465del, p.Arg1489fs (NM_001411076.1); c.4435del, p.Arg1479fs (NM_025185.4); short protein forms R1489fs, R1563fs, R1479fs.
Identifiers: ClinVar variation 3965326 (VCV003965326.1).
Genomic context (GRCh38, chr17:63,420,416, plus strand): 5'-ACCTCTTGGCTCTCATCAGGTTTTTGACTTCCGGTCCAGTAGTTCTGTAGGCTCTCCCAC[TA>T]GACAGACCTATCAGTCCACCTCACCTGCCCTTTCTCCAACTCATCAGAACTCACATTACA-3'